The following is an entry in ClinVar:

ClinVar aggregate classification (germline): Uncertain significance. Review status: criteria provided, multiple submitters, no conflicts (2 of 4 stars). 3 submissions from 3 submitters: Uncertain significance (3). Last evaluated 2025-03-06.

Conditions:
Hereditary cancer-predisposing syndrome. Also called: Neoplastic Syndromes, Hereditary; Tumor predisposition; Hereditary Cancer Syndrome; Hereditary neoplastic syndrome. Identifiers: Orphanet 140162, MedGen C0027672, MeSH D009386, MONDO:0015356.
Hereditary breast ovarian cancer syndrome. Also called: Hereditary breast and ovarian cancer syndrome (HBOC); Hereditary breast and/or ovarian cancer syndrome; Hereditary breast and ovarian cancer; Hereditary breast and ovarian cancer syndrome; BRCA1- and BRCA2-Associated Hereditary Breast and Ovarian Cancer; Breast and ovarian cancer. Identifiers: Orphanet 145, MedGen C0677776, MeSH D061325, MONDO:0003582. Disease mechanism: loss of function.

gnomAD v4.1: 2 of 1,612,038 alleles (0.00012%); highest among the groups gnomAD compares: Non-Finnish European, 0.00017%; no homozygotes.

Submissions (3):

Ambry Genetics
Classification: Uncertain significance for Hereditary cancer-predisposing syndrome. Last evaluated: 2025-03-06. Review status: criteria provided, single submitter. Criteria: Ambry Variant Classification Scheme 2023. Collection method: clinical testing. Allele origin: germline.
Comment: The p.S2072Y variant (also known as c.6215C>A), located in coding exon 10 of the BRCA2 gene, results from a C to A substitution at nucleotide position 6215. The serine at codon 2072 is replaced by tyrosine, an amino acid with dissimilar properties. This amino acid position is poorly conserved in available vertebrate species. In addition, the in silico prediction for this alteration is inconclusive. Based on the available evidence, the clinical significance of this variant remains unclear.

Labcorp Genetics (formerly Invitae), Labcorp
Classification: Uncertain significance for Hereditary breast ovarian cancer syndrome. Last evaluated: 2023-03-07. Review status: criteria provided, single submitter. Criteria: Invitae Variant Classification Sherloc (09022015). Collection method: clinical testing. Allele origin: germline.
Comment: This variant has not been reported in the literature in individuals affected with BRCA2-related conditions. This variant is present in population databases (rs80358862, gnomAD 0.002%). This sequence change replaces serine, which is neutral and polar, with tyrosine, which is neutral and polar, at codon 2072 of the BRCA2 protein (p.Ser2072Tyr). Advanced modeling of protein sequence and biophysical properties (such as structural, functional, and spatial information, amino acid conservation, physicochemical variation, residue mobility, and thermodynamic stability) performed at Invitae indicates that this missense variant is not expected to disrupt BRCA2 protein function. In summary, the available evidence is currently insufficient to determine the role of this variant in disease. Therefore, it has been classified as a Variant of Uncertain Significance.

Color Diagnostics, LLC DBA Color Health
Classification: Uncertain significance for Hereditary cancer-predisposing syndrome. Last evaluated: 2022-09-20. Review status: criteria provided, single submitter. Criteria: ACMG Guidelines, 2015. Collection method: clinical testing. Allele origin: germline.
Comment: This missense variant replaces serine with tyrosine at codon 2072 of the BRCA2 protein. Computational prediction is inconclusive regarding the impact of this variant on protein structure and function (internally defined REVEL score threshold 0.5 < inconclusive < 0.7, PMID: 27666373). To our knowledge, functional studies have not been reported for this variant. This variant has not been reported in individuals affected with hereditary cancer in the literature. This variant has been identified in 2/249774 chromosomes in the general population by the Genome Aggregation Database (gnomAD). The available evidence is insufficient to determine the role of this variant in disease conclusively. Therefore, this variant is classified as a Variant of Uncertain Significance.

NM_000059.4(BRCA2):c.6215C>A (p.Ser2072Tyr)

Gene: BRCA2 (BRCA2 DNA repair associated; plus strand). Cytogenetic location: 13q13.1.
Variant type: single nucleotide variant.
Coding change: c.6215C>A on transcript NM_000059.4 (MANE Select); coding-DNA position 6215, C replaced by A.
Protein change: p.Ser2072Tyr; replaces serine 2072 with tyrosine.
Molecular consequence: missense variant. On other transcripts: non-coding transcript variant (1), intron variant (2).
Genome position (GRCh38, 1-based): chr13:32,340,570, C>A. VCF-style: chr13-32340570-C-A. GRCh37 (hg19) VCF-style: chr13-32914707-C-A.
Other names: c.6215C>A, p.Ser2072Tyr (NM_001406719.1, NM_001406720.1); c.1910-3988C>A (NM_001406721.1); c.425-3988C>A (NM_001406722.1); short protein forms S2072Y.
Identifiers: ClinVar variation 2774931 (VCV002774931.6), dbSNP rs80358862, ClinGen allele CA6940935.